The following is an entry in ClinVar:

NM_138691.3(TMC1):c.1876G>A (p.Val626Ile)

Gene: TMC1 (transmembrane channel like 1; plus strand). Cytogenetic location: 9q21.13.
Variant type: single nucleotide variant.
Coding change: c.1876G>A on transcript NM_138691.3 (MANE Select); coding-DNA position 1876, G replaced by A.
Protein change: p.Val626Ile; replaces valine 626 with isoleucine.
Molecular consequence: missense variant.
Genome position (GRCh38, 1-based): chr9:72,820,954, G>A. VCF-style: chr9-72820954-G-A. GRCh37 (hg19) VCF-style: chr9-75435870-G-A.
Other names: short protein forms V626I.
Identifiers: ClinVar variation 2446120 (VCV002446120.1), dbSNP rs2489985013, ClinGen allele CA373669770.

ClinVar aggregate classification (germline): Uncertain significance (1 of 4 stars; one submission).

Submission:

GeneDx
Classification: Uncertain significance. Last evaluated: 2022-09-23. Review status: criteria provided, single submitter. Criteria: GeneDx Variant Classification Process June 2021. Collection method: clinical testing. Allele origin: germline. Affected: yes.
Comment: Not observed at significant frequency in large population cohorts (gnomAD); In silico analysis supports that this missense variant does not alter protein structure/function; Has not been previously published as pathogenic or benign to our knowledge